The following is an entry in ClinVar:

NM_000368.5(TSC1):c.2626-3dup

Gene: TSC1 (TSC complex subunit 1; minus strand). Cytogenetic location: 9q34.13.
Variant type: Duplication.
Coding change: c.2626-3dup on transcript NM_000368.5 (MANE Select); 3 bases into the intron before coding-DNA position 2626, one base duplicated (C; older notation c.2626-3dupC).
Molecular consequence: intron variant.
Genome position (GRCh38, 1-based): chr9:132,897,613, G duplicated on the plus strand (C on the coding strand, the reverse complement: TSC1 is on the minus strand). VCF-style (leftmost placement, unchanged base first): chr9-132897612-T-TG. GRCh37 (hg19) VCF-style: chr9-135772999-T-TG.
Other names: c.2626-3dupC (NM_000368.4); c.2263-3dup (NM_001362177.2); c.2473-3dup (NM_001162427.2); c.2623-3dup (NM_001162426.2).
Identifiers: ClinVar variation 418556 (VCV000418556.13), dbSNP rs1554813639, ClinGen allele CA16618765.

ClinVar aggregate classification (germline): Benign/Likely benign. Review status: criteria provided, multiple submitters, no conflicts (2 of 4 stars). 6 submissions from 6 submitters: Benign (1); Likely benign (4). 1 of the submissions does not count toward it. Last evaluated 2025-09-16.

Conditions:
TSC1-related disorder. Also called: TSC1-related condition.
Hereditary cancer-predisposing syndrome. Also called: Tumor predisposition; Neoplastic Syndromes, Hereditary; Hereditary Cancer Syndrome; Hereditary neoplastic syndrome. Identifiers: Orphanet 140162, MedGen C0027672, MeSH D009386, MONDO:0015356.
Tuberous sclerosis 1 (TSC1). Identifiers: Orphanet 805, MedGen C1854465, MONDO:0008612, OMIM 191100.

Allele frequency attached by ClinVar (database versions not stated): gnomAD exomes below 0.00001.

Submissions (6):

Ambry Genetics
Classification: Likely benign for Hereditary cancer-predisposing syndrome. Last evaluated: 2025-09-16. Review status: criteria provided, single submitter. Criteria: Ambry Variant Classification Scheme 2023. Collection method: clinical testing. Allele origin: germline.

Myriad Genetics, Inc.
Classification: Likely benign for Tuberous sclerosis 1. Last evaluated: 2025-04-28. Review status: criteria provided, single submitter. Criteria: Myriad Autosomal Dominant, Autosomal Recessive and X-Linked Classification Criteria (2023). Collection method: clinical testing. Allele origin: unknown.
Comment: This variant is considered likely benign. This variant is intronic and is not expected to impact mRNA splicing.

Labcorp Genetics (formerly Invitae), Labcorp
Classification: Likely benign for Tuberous sclerosis 1. Last evaluated: 2024-11-27. Review status: criteria provided, single submitter. Criteria: Invitae Variant Classification Sherloc (09022015). Collection method: clinical testing. Allele origin: germline.

Genome-Nilou Lab
Classification: Benign for Tuberous sclerosis 1. Last evaluated: 2021-11-07. Review status: criteria provided, single submitter. Criteria: ACMG Guidelines, 2015. Collection method: clinical testing. Allele origin: germline. Affected: no.

GeneDx
Classification: Likely benign. Last evaluated: 2016-10-10. Review status: criteria provided, single submitter. Criteria: GeneDx Variant Classification (06012015). Collection method: clinical testing. Allele origin: germline. Affected: yes.
Comment: This variant is considered likely benign or benign based on one or more of the following criteria: it is a conservative change, it occurs at a poorly conserved position in the protein, it is predicted to be benign by multiple in silico algorithms, and/or has population frequency not consistent with disease.

PreventionGenetics, part of Exact Sciences
Classification: Likely benign for TSC1-related condition. Last evaluated: 2024-06-27. Review status: no assertion criteria provided. Collection method: clinical testing. Allele origin: germline. Not counted in ClinVar's aggregate classification.
Comment: This variant is classified as likely benign based on ACMG/AMP sequence variant interpretation guidelines (Richards et al. 2015 PMID: 25741868, with internal and published modifications).